The following is an entry in ClinVar:

NM_006031.6(PCNT):c.8539G>T (p.Val2847Leu)

Gene: PCNT (pericentrin; plus strand). Cytogenetic location: 21q22.3.
Variant type: single nucleotide variant.
Coding change: c.8539G>T on transcript NM_006031.6 (MANE Select); coding-DNA position 8539, G replaced by T.
Protein change: p.Val2847Leu; replaces valine 2847 with leucine.
Molecular consequence: missense variant. On other transcripts: intron variant (1).
Genome position (GRCh38, 1-based): chr21:46,432,003, G>T. VCF-style: chr21-46432003-G-T. GRCh37 (hg19) VCF-style: chr21-47851917-G-T.
Other names: c.8160+25G>T (NM_001315529.2); short protein forms V2847L.
Identifiers: ClinVar variation 3344572 (VCV003344572.1).

ClinVar aggregate classification (germline): Uncertain significance (0 of 4 stars; one submission).

Conditions:
PCNT-related disorder. Also called: PCNT-related condition.

gnomAD v4.1: 1 of 1,613,942 alleles (0.000062%); highest among the groups gnomAD compares: Non-Finnish European, 0.000085%; no homozygotes.

Submission:

PreventionGenetics, part of Exact Sciences
Classification: Uncertain significance for PCNT-related condition. Last evaluated: 2024-05-01. Review status: no assertion criteria provided. Collection method: clinical testing. Allele origin: germline.
Comment: The PCNT c.8539G>T variant is predicted to result in the amino acid substitution p.Val2847Leu. To our knowledge, this variant has not been reported in the literature. This variant is reported in 0.00088% of alleles in individuals of European (Non-Finnish) descent in gnomAD. At this time, the clinical significance of this variant is uncertain due to the absence of conclusive functional and genetic evidence.